The following is an entry in ClinVar:

ClinVar aggregate classification (germline): Uncertain significance (1 of 4 stars; one submission).

Conditions:
Autosomal dominant nonsyndromic hearing loss. Also called: Rare autosomal dominant non-syndromic sensorineural deafness type DFNA. Identifiers: Orphanet 90635, MedGen C5779548, MONDO:0019587.

gnomAD v4.1: 1 of 1,551,768 alleles (0.000064%); highest among the groups gnomAD compares: Non-Finnish European, 0.000087%; no homozygotes.

Submission:

Center for Statistical Genetics, Columbia University
Classification: Uncertain significance for Autosomal dominant nonsyndromic hearing loss. Last evaluated: 2025-01-14. Review status: criteria provided, single submitter. Criteria: ACMG Guidelines, 2015. Collection method: research. Allele origin: germline. Inheritance: Autosomal dominant inheritance. Affected: yes. Observed: 2 heterozygotes.
Comment: c.1847G>C is a missense variant. LOXHD1 is a known gene for autosomal recessive nonsyndromic hearing loss. We identified this heterozygous variant segregating in multiple affected with autosomal dominant nonsyndromic deafness (PP1). Allele frequency is extremely low in all databases. Insilico prediction tools support a deleterious effect on the gene (PP3). In summary, the variant was classified based on the ACMG/AMP criteria, using the evidences PP1, PP3,

NM_001384474.1(LOXHD1):c.5180G>C (p.Cys1727Ser)

Gene: LOXHD1 (lipoxygenase homology PLAT domains 1; minus strand). Cytogenetic location: 18q21.1.
Variant type: single nucleotide variant.
Coding change: c.5180G>C on transcript NM_001384474.1 (MANE Select); coding-DNA position 5180, G replaced by C.
Protein change: p.Cys1727Ser; replaces cysteine 1727 with serine.
Molecular consequence: missense variant. On other transcripts: intron variant (1).
Genome position (GRCh38, 1-based): chr18:46,521,188, C>G on the plus strand (G>C on the coding strand, the complement: LOXHD1 is on the minus strand). VCF-style: chr18-46521188-C-G. GRCh37 (hg19) VCF-style: chr18-44101151-C-G.
Other names: c.1847G>C, p.Cys616Ser (NM_001145472.3); c.1559G>C, p.Cys520Ser (NM_001308013.2); c.5085+913G>C (NM_144612.7); short protein forms C1727S, C520S, C616S.
Identifiers: ClinVar variation 3767853 (VCV003767853.1).